The following is an entry in ClinVar:

NM_000145.4(FSHR):c.*563T>C

Gene: FSHR (follicle stimulating hormone receptor; minus strand). Cytogenetic location: 2p16.3.
Variant type: single nucleotide variant.
Coding change: c.*563T>C on transcript NM_000145.4 (MANE Select); 563 bases downstream of the stop codon, T replaced by C.
Molecular consequence: 3 prime UTR variant.
Genome position (GRCh38, 1-based): chr2:48,962,170, A>G on the plus strand (T>C on the coding strand, the complement: FSHR is on the minus strand). VCF-style: chr2-48962170-A-G. GRCh37 (hg19) VCF-style: chr2-49189309-A-G.
Other names: c.*563T>C (NM_181446.3).
Identifiers: ClinVar variation 336474 (VCV000336474.5), dbSNP rs80295823, ClinGen allele CA10614062.

ClinVar aggregate classification (germline): Likely benign. Review status: criteria provided, single submitter (1 of 4 stars). 2 submissions from 1 submitter: Likely benign (2). Last evaluated 2018-01-12.

Conditions:
Ovarian dysgenesis 1 (ODG1). Also called: GONADAL DYSGENESIS, XX TYPE; OVARIAN DYSGENESIS, HYPERGONADOTROPIC, AUTOSOMAL RECESSIVE; OVARIAN DYSGENESIS, HYPERGONADOTROPIC, WITH NORMAL KARYOTYPE; OVARIAN FAILURE, HYPERGONADOTROPIC; Gonadal dysgenesis XX type deafness. Identifiers: Orphanet 243, MedGen C0949595, MONDO:0024463, OMIM 233300.
Ovarian hyperstimulation syndrome (OHSS). Also called: OVARIAN HYPERSTIMULATION SYNDROME, FAMILIAL GESTATIONAL SPONTANEOUS. Identifiers: Orphanet 64739, MedGen C0085083, MONDO:0011972, OMIM 608115.

Allele frequency attached by ClinVar (database versions not stated): gnomAD exomes 0.00012; gnomAD 0.00307 and 0.00323; TOPMed 0.00356; 1000 Genomes Project 0.00499; 1000 Genomes Project 30x 0.00515.
gnomAD v4.1: 462 of 169,798 alleles (0.27%); highest among the groups gnomAD compares: African/African-American, 1.1%; 2 homozygotes.

Submissions (2):

Illumina Laboratory Services, Illumina
Classification: Likely benign for Ovarian dysgenesis 1. Last evaluated: 2018-01-12. Review status: criteria provided, single submitter. Criteria: ICSL Variant Classification Criteria 13 December 2019. Collection method: clinical testing. Allele origin: germline.
Comment: This variant was observed in the ICSL laboratory as part of a predisposition screen in an ostensibly healthy population. It had not been previously curated by ICSL or reported in the Human Gene Mutation Database (HGMD: prior to June 1st, 2018), and was therefore a candidate for classification through an automated scoring system. Utilizing variant allele frequency, disease prevalence and penetrance estimates, and inheritance mode, an automated score was calculated to assess if this variant is too frequent to cause the disease. Based on the score and internal cut-off values, a variant classified as likely benign is not then subjected to further curation. The score for this variant resulted in a classification of likely benign for this disease.

Illumina Laboratory Services, Illumina
Classification: Likely benign for Ovarian hyperstimulation syndrome. Last evaluated: 2018-01-12. Review status: criteria provided, single submitter. Criteria: ICSL Variant Classification Criteria 13 December 2019. Collection method: clinical testing. Allele origin: germline.
Comment: the same text as in the submission from Illumina Laboratory Services, Illumina above.